The following is an entry in ClinVar:

ClinVar aggregate classification (germline): Uncertain significance (1 of 4 stars; one submission).

Submission:

GeneDx
Classification: Uncertain significance. Last evaluated: 2026-03-28. Review status: criteria provided, single submitter. Criteria: GeneDx Variant Classification Process June 2021. Collection method: clinical testing. Allele origin: germline.
Comment: In silico analysis supports a deleterious effect on protein structure/function; Observed in the homozygous state in a patient with mesoaxial polydactyly, severe intellectual disability, and a molar tooth sign on brain MRI in published literature (PMID: 34296525); This variant is associated with the following publications: (PMID: 34296525)

NM_000168.6(GLI3):c.565_567delinsTCT (p.Pro189Ser)

Gene: GLI3 (GLI family zinc finger 3; minus strand). Cytogenetic location: 7p14.1.
Variant type: Indel.
Coding change: c.565_567delinsTCT on transcript NM_000168.6 (MANE Select); coding-DNA positions 565 to 567, CCC replaced by TCT.
Protein change: p.Pro189Ser; replaces proline 189 with serine.
Molecular consequence: missense variant.
Genome position (GRCh38, 1-based): chr7:42,048,603-42,048,605, GGG replaced by AGA on the plus strand (CCC replaced by TCT on the coding strand, the reverse complement: GLI3 is on the minus strand). VCF-style: chr7-42048603-GGG-AGA. GRCh37 (hg19) VCF-style: chr7-42088202-GGG-AGA.
Other names: short protein forms P189S.
Identifiers: ClinVar variation 5016713 (VCV005016713.1).